The following is an entry in ClinVar:

Single allele

Genes: IAH1 (isoamyl acetate hydrolyzing esterase 1 (putative); plus strand), ADAM17 (ADAM metallopeptidase domain 17; minus strand), CPSF3 (cleavage and polyadenylation specific factor 3; plus strand), LOC129933054 (ATAC-STARR-seq lymphoblastoid active region 15279; plus strand). Cytogenetic location: 2p25.1.
Variant type: Deletion.
Identifiers: ClinVar variation 3068447 (VCV003068447.2).

ClinVar aggregate classification (germline): Pathogenic (0 of 4 stars; one submission).

Conditions:
Neurodevelopmental disorder with microcephaly, hypotonia, nystagmus, and seizures (NEDMHS). Identifiers: MedGen C5676986, MONDO:0859250, OMIM 619876.

Submission:

Undiagnosed Diseases Network, NIH
Classification: Pathogenic for Neurodevelopmental disorder with microcephaly, hypotonia, nystagmus, and seizures. Review status: no assertion criteria provided. Collection method: clinical testing. Allele origin: maternal. Inheritance: Autosomal recessive inheritance. Affected: yes. Observed: 4 variant alleles, 4 heterozygotes, 2 compound heterozygotes. Clinical features observed: Cerebellar atrophy (HP:0001272), Severe global developmental delay (HP:0011344), Spastic paraparesis (HP:0002313), Axial hypotonia (HP:0008936), Distal amyotrophy (HP:0003693), Failure to thrive (HP:0001508). Study: Undiagnosed Diseases Network (NIH), UDN.
Comment: This deletion was inherited in trans with a CPSF3 missense variant (ClinVar accession number VCV002691767.1)